The following is an entry in ClinVar:

ClinVar aggregate classification (germline): Uncertain significance (1 of 4 stars; one submission).

gnomAD v4.1: 3 of 1,611,450 alleles (0.00019%); highest among the groups gnomAD compares: Non-Finnish European, 0.00017%; no homozygotes.

Submission:

Dasa
Classification: Uncertain significance. Last evaluated: 2026-03-10. Review status: criteria provided, single submitter. Criteria: DASA Assertion Criteria. Collection method: clinical testing. Allele origin: germline.
Comment: NM_006005.3(WFS1):c.1453G>T (p.Gly485Cys) is a missense variant that results in the substitution of glycine with cysteine. This variant is rare in population databases. Computational prediction algorithms are consistent with a deleterious effect. The currently available literature and clinical evidence are not sufficient to establish a definitive association between this variant and the reported condition. Therefore, this variant is classified as a variant of uncertain significance.

NM_006005.3(WFS1):c.1453G>T (p.Gly485Cys)

Gene: WFS1 (wolframin ER transmembrane glycoprotein; plus strand). Cytogenetic location: 4p16.1.
Variant type: single nucleotide variant.
Coding change: c.1453G>T on transcript NM_006005.3 (MANE Select); coding-DNA position 1453, G replaced by T.
Protein change: p.Gly485Cys; replaces glycine 485 with cysteine.
Molecular consequence: missense variant.
Genome position (GRCh38, 1-based): chr4:6,301,248, G>T. VCF-style: chr4-6301248-G-T. GRCh37 (hg19) VCF-style: chr4-6302975-G-T.
Other names: c.1453G>T, p.Gly485Cys (NM_001145853.1); short protein forms G485C.
Identifiers: ClinVar variation 4886666 (VCV004886666.2).
Genomic context (GRCh38, chr4:6,301,248, plus strand): 5'-GCCGGCCTGCTATCGCTGCTGCCCTCCATGCCCTTGAATTGGCCCTACCTGAAGGTCCTT[G>T]GCCAGACCTTCATCACCGTGCCTGTCGGCCACCTGGTCGTCCTCAACGTCAGCGTCCCGT-3'
Protein context (NP_005996.2, residues 475-495): PLNWPYLKVL[Gly485Cys]QTFITVPVGH